The following is an entry in ClinVar:

ClinVar aggregate classification (germline): Benign/Likely benign. Review status: criteria provided, multiple submitters, no conflicts (2 of 4 stars). 8 submissions from 8 submitters: Benign (3); Likely benign (5). Last evaluated 2026-01-28.

Conditions:
Inborn genetic diseases. Identifiers: MedGen C0950123, MeSH D030342.

Allele frequency attached by ClinVar (database versions not stated): gnomAD exomes 0.00013 and 0.00031; ExAC 0.00039; ESP Exome Variant Server 0.00069; 1000 Genomes Project 30x 0.00141; gnomAD 0.00157 and 0.00170; TOPMed 0.00159; 1000 Genomes Project 0.00160.

Submissions (8):

Labcorp Genetics (formerly Invitae), Labcorp
Classification: Benign. Last evaluated: 2026-01-28. Review status: criteria provided, single submitter. Criteria: Invitae Variant Classification Sherloc (09022015). Collection method: clinical testing. Allele origin: germline.

Blueprint Genetics
Classification: Likely benign. Last evaluated: 2024-11-22. Review status: criteria provided, single submitter. Criteria: ACMG Guidelines, 2015. Collection method: clinical testing. Allele origin: germline.

CeGaT Center for Human Genetics Tuebingen
Classification: Likely benign. Last evaluated: 2022-05-01. Review status: criteria provided, single submitter. Criteria: CeGaT Center For Human Genetics Tuebingen Variant Classification Criteria Version 2. Collection method: clinical testing. Allele origin: germline. Affected: yes. Observed: 2 variant alleles.
Comment: TPP1: BP4, BP7

Athena Diagnostics
Classification: Benign. Last evaluated: 2018-05-01. Review status: criteria provided, single submitter. Criteria: Athena Diagnostics Criteria. Collection method: clinical testing. Allele origin: germline.

Ambry Genetics
Classification: Likely benign for Inborn genetic diseases. Last evaluated: 2017-05-03. Review status: criteria provided, single submitter. Criteria: Ambry Variant Classification Scheme 2023. Collection method: clinical testing. Allele origin: germline.

Eurofins Ntd Llc (ga)
Classification: Likely benign. Last evaluated: 2017-04-12. Review status: criteria provided, single submitter. Criteria: EGL Classification Definitions 2015. Collection method: clinical testing. Allele origin: germline. Observed: 3 variant alleles, 3 heterozygotes.

GeneDx
Classification: Benign. Last evaluated: 2013-05-24. Review status: criteria provided, single submitter. Criteria: GeneDx Variant Classification (06012015). Collection method: clinical testing. Allele origin: germline. Affected: yes.
Comment: This variant is considered likely benign or benign based on one or more of the following criteria: it is a conservative change, it occurs at a poorly conserved position in the protein, it is predicted to be benign by multiple in silico algorithms, and/or has population frequency not consistent with disease.

Breakthrough Genomics
Classification: Likely benign. Review status: criteria provided, single submitter. Criteria: ACMG Guidelines, 2015. Collection method: not provided. Allele origin: germline. Inheritance: Autosomal recessive inheritance. Affected: yes.

NM_000391.4(TPP1):c.1497T>C (p.Pro499=)

Gene: TPP1 (tripeptidyl peptidase 1; minus strand). Cytogenetic location: 11p15.4.
Variant type: single nucleotide variant.
Coding change: c.1497T>C on transcript NM_000391.4 (MANE Select); coding-DNA position 1497, T replaced by C.
Protein change: p.Pro499=; no amino-acid change (proline 499 retained).
Molecular consequence: synonymous variant.
Genome position (GRCh38, 1-based): chr11:6,614,920, A>G on the plus strand (T>C on the coding strand, the complement: TPP1 is on the minus strand). VCF-style: chr11-6614920-A-G. GRCh37 (hg19) VCF-style: chr11-6636151-A-G.
Other names: p.P499P:CCT>CCC.
Identifiers: ClinVar variation 137706 (VCV000137706.62), dbSNP rs142672910, ClinGen allele CA291365.